The following is an entry in ClinVar:

NM_003803.4(MYOM1):c.367C>G (p.Leu123Val)

Gene: MYOM1 (myomesin 1; minus strand). Cytogenetic location: 18p11.31.
Variant type: single nucleotide variant.
Coding change: c.367C>G on transcript NM_003803.4 (MANE Select); coding-DNA position 367, C replaced by G.
Protein change: p.Leu123Val; replaces leucine 123 with valine.
Molecular consequence: missense variant.
Genome position (GRCh38, 1-based): chr18:3,193,882, G>C on the plus strand (C>G on the coding strand, the complement: MYOM1 is on the minus strand). VCF-style: chr18-3193882-G-C. GRCh37 (hg19) VCF-style: chr18-3193880-G-C.
Other names: c.367C>G, p.Leu123Val (NM_019856.2); short protein forms L123V.
Identifiers: ClinVar variation 4718039 (VCV004718039.1).

ClinVar aggregate classification (germline): Uncertain significance (1 of 4 stars; one submission).

Conditions:
Hypertrophic cardiomyopathy. Also called: HYPERTROPHIC MYOCARDIOPATHY. Identifiers: Orphanet 217569, MedGen C0007194, MeSH D002312, MONDO:0005045, HP:0001639.

Submission:

Labcorp Genetics (formerly Invitae), Labcorp
Classification: Uncertain significance for Hypertrophic cardiomyopathy. Last evaluated: 2025-04-27. Review status: criteria provided, single submitter. Criteria: Invitae Variant Classification Sherloc (09022015). Collection method: clinical testing. Allele origin: germline.
Comment: This sequence change replaces leucine, which is neutral and non-polar, with valine, which is neutral and non-polar, at codon 123 of the MYOM1 protein (p.Leu123Val). This variant is not present in population databases (gnomAD no frequency). This variant has not been reported in the literature in individuals affected with MYOM1-related conditions. An algorithm developed to predict the effect of missense changes on protein structure and function (PolyPhen-2) suggests that this variant is likely to be tolerated. In summary, the available evidence is currently insufficient to determine the role of this variant in disease. Therefore, it has been classified as a Variant of Uncertain Significance.